The following is an entry in ClinVar:

NC_000002.11:g.(?_32351997)_(32379565_?)del

Gene: SPAST (spastin; plus strand). Cytogenetic location: 2p22.3.
Variant type: Deletion.
Identifiers: ClinVar variation 2426020 (VCV002426020.2).

ClinVar aggregate classification (germline): Pathogenic (1 of 4 stars; one submission).

Conditions:
Hereditary spastic paraplegia 4. Also called: Spastic paraplegia 4, autosomal dominant; Spastic Paraplegia 4; Familial spastic paraplegia autosomal dominant 2. Identifiers: Orphanet 100985, MedGen C1866855, MONDO:0008438, OMIM 182601.

Submission:

Labcorp Genetics (formerly Invitae), Labcorp
Classification: Pathogenic for Hereditary spastic paraplegia 4. Last evaluated: 2022-08-20. Review status: criteria provided, single submitter. Criteria: Invitae Variant Classification Sherloc (09022015). Collection method: clinical testing. Allele origin: germline.
Comment: This variant is a gross deletion of the genomic region encompassing exon(s) 8-17 of the SPAST gene, which includes the termination codon. This deletion extends beyond the assayed region for this gene and therefore may encompass additional genes. While this deletion is not anticipated to lead to nonsense mediated decay, it is expected to alter mRNA translation or result in a truncated protein product. A similar copy number variant has been observed in individuals with hereditary spastic paraplegia (PMID: 17098887, 17345589, 26165777). It has also been observed to segregate with disease in related individuals. For these reasons, this variant has been classified as Pathogenic.

Literature cited by the submitters: PubMed 17098887; PubMed 17345589; PubMed 26165777.